The following is an entry in ClinVar:

ClinVar aggregate classification (germline): Uncertain significance (1 of 4 stars; one submission).

Allele frequency attached by ClinVar (database versions not stated): gnomAD exomes below 0.00001.
gnomAD v4.1: 1 of 1,611,366 alleles (0.000062%); highest among the groups gnomAD compares: Non-Finnish European, 0.000085%; no homozygotes.

Submission:

Labcorp Genetics (formerly Invitae), Labcorp
Classification: Uncertain significance. Last evaluated: 2022-04-28. Review status: criteria provided, single submitter. Criteria: Invitae Variant Classification Sherloc (09022015). Collection method: clinical testing. Allele origin: germline.
Comment: In summary, the available evidence is currently insufficient to determine the role of this variant in disease. Therefore, it has been classified as a Variant of Uncertain Significance. Algorithms developed to predict the effect of missense changes on protein structure and function (SIFT, PolyPhen-2, Align-GVGD) all suggest that this variant is likely to be tolerated. This variant has not been reported in the literature in individuals affected with PHYH-related conditions. This variant is not present in population databases (gnomAD no frequency). This sequence change replaces threonine, which is neutral and polar, with proline, which is neutral and non-polar, at codon 336 of the PHYH protein (p.Thr336Pro).

NM_006214.4(PHYH):c.1006A>C (p.Thr336Pro)

Gene: PHYH (phytanoyl-CoA 2-hydroxylase; minus strand). Cytogenetic location: 10p13.
Variant type: single nucleotide variant.
Coding change: c.1006A>C on transcript NM_006214.4 (MANE Select); coding-DNA position 1006, A replaced by C.
Protein change: p.Thr336Pro; replaces threonine 336 with proline.
Molecular consequence: missense variant.
Genome position (GRCh38, 1-based): chr10:13,278,312, T>G on the plus strand (A>C on the coding strand, the complement: PHYH is on the minus strand). VCF-style: chr10-13278312-T-G. GRCh37 (hg19) VCF-style: chr10-13320312-T-G.
Other names: c.706A>C, p.Thr236Pro (NM_001037537.2, NM_001323080.2); c.1012A>C, p.Thr338Pro (NM_001323082.2); c.742A>C, p.Thr248Pro (NM_001323083.2); c.712A>C, p.Thr238Pro (NM_001323084.2); short protein forms T248P, T338P, T336P, T236P, T238P.
Identifiers: ClinVar variation 2046347 (VCV002046347.4), dbSNP rs1272487282, ClinGen allele CA376050309.